The following is an entry in ClinVar:

NM_001077446.4(TSEN34):c.421T>C (p.Ser141Pro)

Gene: TSEN34 (tRNA splicing endonuclease subunit 34; plus strand). Cytogenetic location: 19q13.42.
Variant type: single nucleotide variant.
Coding change: c.421T>C on transcript NM_001077446.4 (MANE Select); coding-DNA position 421, T replaced by C.
Protein change: p.Ser141Pro; replaces serine 141 with proline.
Molecular consequence: missense variant.
Genome position (GRCh38, 1-based): chr19:54,191,898, T>C. VCF-style: chr19-54191898-T-C. GRCh37 (hg19) VCF-style: chr19-54695749-T-C.
Other names: c.421T>C, p.Ser141Pro (NM_001282332.2, NM_001282333.2, NM_001386740.1 and 1 more transcripts); short protein forms S141P.
Identifiers: ClinVar variation 4767559 (VCV004767559.1).
Genomic context (GRCh38, chr19:54,191,898, plus strand): 5'-GCTGCTAAGAAGCAGAAACTAGAACAGGCTTCAGGGGCCAGCTCAAGCCAGGAGGCCGGC[T>C]CGAGCCAGGCTGCCAAAGAGGATGAGACCAGTGATGGCCAGGCTTCGGGAGAGCAGGAGG-3'
Protein context (NP_001070914.1, residues 131-151): SGASSSQEAG[Ser141Pro]SQAAKEDETS

ClinVar aggregate classification (germline): Uncertain significance (1 of 4 stars; one submission).

Submission:

Labcorp Genetics (formerly Invitae), Labcorp
Classification: Uncertain significance. Last evaluated: 2025-10-01. Review status: criteria provided, single submitter. Criteria: Invitae Variant Classification Sherloc (09022015). Collection method: clinical testing. Allele origin: germline.
Comment: This sequence change replaces serine, which is neutral and polar, with proline, which is neutral and non-polar, at codon 141 of the TSEN34 protein (p.Ser141Pro). This variant is present in population databases (rs756678894, gnomAD 0.003%). This variant has not been reported in the literature in individuals affected with TSEN34-related conditions. An algorithm developed to predict the effect of missense changes on protein structure and function (PolyPhen-2) suggests that this variant is likely to be tolerated. In summary, the available evidence is currently insufficient to determine the role of this variant in disease. Therefore, it has been classified as a Variant of Uncertain Significance.